The following is an entry in ClinVar:

ClinVar aggregate classification (germline): Uncertain significance (1 of 4 stars; one submission).

Conditions:
Progressive myoclonic epilepsy type 7. Identifiers: Orphanet 435438, MedGen C4015420, MONDO:0014521, OMIM 616187.

Submission:

Labcorp Genetics (formerly Invitae), Labcorp
Classification: Uncertain significance for Progressive myoclonic epilepsy type 7. Last evaluated: 2022-11-02. Review status: criteria provided, single submitter. Criteria: Invitae Variant Classification Sherloc (09022015). Collection method: clinical testing. Allele origin: germline.
Comment: Advanced modeling of protein sequence and biophysical properties (such as structural, functional, and spatial information, amino acid conservation, physicochemical variation, residue mobility, and thermodynamic stability) performed at Invitae indicates that this missense variant is not expected to disrupt KCNC1 protein function. In summary, the available evidence is currently insufficient to determine the role of this variant in disease. Therefore, it has been classified as a Variant of Uncertain Significance. This variant has not been reported in the literature in individuals affected with KCNC1-related conditions. This variant is not present in population databases (gnomAD no frequency). This sequence change replaces methionine, which is neutral and non-polar, with isoleucine, which is neutral and non-polar, at codon 430 of the KCNC1 protein (p.Met430Ile).

NM_001112741.2(KCNC1):c.1290G>T (p.Met430Ile)

Gene: KCNC1 (potassium voltage-gated channel subfamily C member 1; plus strand). Cytogenetic location: 11p15.1.
Variant type: single nucleotide variant.
Coding change: c.1290G>T on transcript NM_001112741.2 (MANE Select); coding-DNA position 1290, G replaced by T.
Protein change: p.Met430Ile; replaces methionine 430 with isoleucine.
Molecular consequence: missense variant.
Genome position (GRCh38, 1-based): chr11:17,772,384, G>T. VCF-style: chr11-17772384-G-T. GRCh37 (hg19) VCF-style: chr11-17793931-G-T.
Other names: c.1290G>T, p.Met430Ile (NM_004976.4); short protein forms M430I.
Identifiers: ClinVar variation 2811571 (VCV002811571.3), dbSNP rs2497801193, ClinGen allele CA379809100.